The following is an entry in ClinVar:

NM_006946.4(SPTBN2):c.1291G>A (p.Asp431Asn)

Gene: SPTBN2 (spectrin beta, non-erythrocytic 2; minus strand). Cytogenetic location: 11q13.2.
Variant type: single nucleotide variant.
Coding change: c.1291G>A on transcript NM_006946.4 (MANE Select); coding-DNA position 1291, G replaced by A.
Protein change: p.Asp431Asn; replaces aspartic acid 431 with asparagine.
Molecular consequence: missense variant.
Genome position (GRCh38, 1-based): chr11:66,708,200, C>T on the plus strand (G>A on the coding strand, the complement: SPTBN2 is on the minus strand). VCF-style: chr11-66708200-C-T. GRCh37 (hg19) VCF-style: chr11-66475671-C-T.
Other names: c.1312G>A, p.Asp438Asn (NM_001411025.1); c.1291G>A (NM_006946.2); short protein forms D431N, D438N.
Identifiers: ClinVar variation 3233679 (VCV003233679.3), dbSNP rs746140592, ClinGen allele CA6129417.

ClinVar aggregate classification (germline): Uncertain significance. Review status: criteria provided, multiple submitters, no conflicts (2 of 4 stars). 2 submissions from 2 submitters: Uncertain significance (2). Last evaluated 2024-12-17.

Conditions:
Inborn genetic diseases. Identifiers: MedGen C0950123, MeSH D030342.

Allele frequency attached by ClinVar (database versions not stated): gnomAD exomes 0.00001; ExAC 0.00003; TOPMed 0.00003; gnomAD 0.00005.
gnomAD v4.1: 26 of 1,611,982 alleles (0.0016%); highest among the groups gnomAD compares: African/African-American, 0.015%; no homozygotes.

Submissions (2):

Ambry Genetics
Classification: Uncertain significance for Inborn genetic diseases. Last evaluated: 2024-12-17. Review status: criteria provided, single submitter. Criteria: Ambry Variant Classification Scheme 2023. Collection method: clinical testing. Allele origin: germline.

Women's Health and Genetics/Laboratory Corporation of America, LabCorp
Classification: Uncertain significance. Last evaluated: 2024-03-28. Review status: criteria provided, single submitter. Criteria: LabCorp Variant Classification Summary - May 2015. Collection method: clinical testing. Allele origin: germline.
Comment: Variant summary: SPTBN2 c.1291G>A (p.Asp431Asn) results in a conservative amino acid change located in the Spectrin repeat (IPR002017) of the encoded protein sequence. Three of five in-silico tools predict a benign effect of the variant on protein function. The variant allele was found at a frequency of 4.4e-05 in 248270 control chromosomes. This frequency does not allow for any conclusion about variant significance. To our knowledge, no occurrence of c.1291G>A in individuals affected with Spinocerebellar Ataxia 5 and no experimental evidence demonstrating its impact on protein function have been reported. No submitters have cited clinical-significance assessments for this variant to ClinVar. Based on the evidence outlined above, the variant was classified as uncertain significance.